The following is an entry in ClinVar:

ClinVar aggregate classification (germline): Benign/Likely benign. Review status: criteria provided, multiple submitters, no conflicts (2 of 4 stars). 4 submissions from 4 submitters: Benign (1); Likely benign (2). 1 of the submissions does not count toward it. Last evaluated 2025-12-24.

Conditions:
Neuronal ceroid lipofuscinosis 1 (CLN1). Also called: CEROID LIPOFUSCINOSIS, NEURONAL, 1, VARIABLE AGE AT ONSET; PPT1-Related Neuronal Ceroid-Lipofuscinosis. Identifiers: Orphanet 228329, MedGen C1850451, MONDO:0009744, OMIM 256730.

Allele frequency attached by ClinVar (database versions not stated): 1000 Genomes Project 0.00040; TOPMed 0.00042; gnomAD 0.00044 and 0.00046; 1000 Genomes Project 30x 0.00047; ESP Exome Variant Server 0.00054.

Submissions (4):

Labcorp Genetics (formerly Invitae), Labcorp
Classification: Likely benign for Neuronal ceroid lipofuscinosis 1. Last evaluated: 2025-12-24. Review status: criteria provided, single submitter. Criteria: Invitae Variant Classification Sherloc (09022015). Collection method: clinical testing. Allele origin: germline.

Blueprint Genetics
Classification: Likely benign. Last evaluated: 2023-01-03. Review status: criteria provided, single submitter. Criteria: ACMG Guidelines, 2015. Collection method: clinical testing. Allele origin: germline.

GeneDx
Classification: Benign. Last evaluated: 2014-05-01. Review status: criteria provided, single submitter. Criteria: GeneDx Variant Classification (06012015). Collection method: clinical testing. Allele origin: germline. Affected: yes.
Comment: This variant is considered likely benign or benign based on one or more of the following criteria: it is a conservative change, it occurs at a poorly conserved position in the protein, it is predicted to be benign by multiple in silico algorithms, and/or has population frequency not consistent with disease.

Mayo Clinic Laboratories, Mayo Clinic
Classification: Likely benign. Last evaluated: 2017-09-27. Review status: no assertion criteria provided. Collection method: clinical testing. Allele origin: unknown. Not counted in ClinVar's aggregate classification.

NM_000310.4(PPT1):c.799-19A>C

Gene: PPT1 (palmitoyl-protein thioesterase 1; minus strand). Cytogenetic location: 1p34.2.
Variant type: single nucleotide variant.
Coding change: c.799-19A>C on transcript NM_000310.4 (MANE Select); 19 bases into the intron before coding-DNA position 799, A replaced by C.
Molecular consequence: intron variant.
Genome position (GRCh38, 1-based): chr1:40,074,202, T>G on the plus strand (A>C on the coding strand, the complement: PPT1 is on the minus strand). VCF-style: chr1-40074202-T-G. GRCh37 (hg19) VCF-style: chr1-40539874-T-G.
Other names: c.490-19A>C (NM_001142604.2); c.727-19A>C (NM_001363695.2).
Identifiers: ClinVar variation 138792 (VCV000138792.13), dbSNP rs367820578, ClinGen allele CA292901.